The following is an entry in ClinVar:

ClinVar aggregate classification (germline): Conflicting classifications of pathogenicity. Review status: criteria provided, conflicting classifications (1 of 4 stars). 6 submissions from 6 submitters: Uncertain significance (3); Likely benign (2). 1 of the submissions does not count toward it. Last evaluated 2026-03-10.

Conditions:
Nemaline myopathy 2 (NEM2). Also called: Nemaline myopathy 2, autosomal recessive. Identifiers: MedGen C1850569, MONDO:0009725, OMIM 256030.
NEB-related disorder. Also called: NEB-Related Disorders; NEB-related condition.

Allele frequency attached by ClinVar (database versions not stated): gnomAD exomes 0.00005 and 0.00009; ExAC 0.00009; gnomAD 0.00015 and 0.00016; ESP Exome Variant Server 0.00016; TOPMed 0.00023.
gnomAD v4.1: 103 of 1,613,824 alleles (0.0064%); highest among the groups gnomAD compares: Admixed American, 0.028%; no homozygotes.

Submissions (6):

PreventionGenetics, part of Exact Sciences
Classification: Uncertain significance for NEB-related condition. Last evaluated: 2026-03-10. Review status: criteria provided, single submitter. Criteria: ACMG Guidelines, 2015. Collection method: clinical testing. Allele origin: germline.
Comment: The NEB c.3444G>A variant is not predicted to result in an amino acid change (p.=). This variant is predicted to create a cryptic splice acceptor site (SpliceAI, Jaganathan et al. 2019. PubMed ID: 30661751). However, such computer predictions are not equivalent to functional evidence. To our knowledge, this variant has not been reported in the literature. This variant is reported in 0.036% of alleles in individuals of East Asian descent in gnomAD. At this time, the clinical significance of this variant is uncertain due to the absence of conclusive functional and genetic evidence.

Labcorp Genetics (formerly Invitae), Labcorp
Classification: Likely benign for Nemaline myopathy 2. Last evaluated: 2026-01-05. Review status: criteria provided, single submitter. Criteria: Invitae Variant Classification Sherloc (09022015). Collection method: clinical testing. Allele origin: germline.

Revvity Omics, Revvity
Classification: Uncertain significance. Last evaluated: 2019-08-30. Review status: criteria provided, single submitter. Criteria: ACMG Guidelines, 2015. Collection method: clinical testing. Allele origin: germline.

GeneDx
Classification: Likely benign. Last evaluated: 2018-02-23. Review status: criteria provided, single submitter. Criteria: GeneDx Variant Classification (06012015). Collection method: clinical testing. Allele origin: germline. Affected: yes.
Comment: This variant is considered likely benign or benign based on one or more of the following criteria: it is a conservative change, it occurs at a poorly conserved position in the protein, it is predicted to be benign by multiple in silico algorithms, and/or has population frequency not consistent with disease.

Illumina Laboratory Services, Illumina
Classification: Uncertain significance for Nemaline myopathy 2. Last evaluated: 2018-01-13. Review status: criteria provided, single submitter. Criteria: ICSL Variant Classification Criteria 13 December 2019. Collection method: clinical testing. Allele origin: germline.

Natera, Inc.
Classification: Uncertain significance for Nemaline myopathy type 2. Last evaluated: 2020-01-24. Review status: no assertion criteria provided. Collection method: clinical testing. Allele origin: germline. Not counted in ClinVar's aggregate classification.

NM_001164508.2(NEB):c.3444G>A (p.Ala1148=)

Gene: NEB (nebulin; minus strand). Cytogenetic location: 2q23.3.
Variant type: single nucleotide variant.
Coding change: c.3444G>A on transcript NM_001164508.2 (MANE Select); coding-DNA position 3444, G replaced by A.
Protein change: p.Ala1148=; no amino-acid change (alanine 1148 retained).
Molecular consequence: synonymous variant.
Genome position (GRCh38, 1-based): chr2:151,677,999, C>T on the plus strand (G>A on the coding strand, the complement: NEB is on the minus strand). VCF-style: chr2-151677999-C-T. GRCh37 (hg19) VCF-style: chr2-152534513-C-T.
Other names: c.3444G>A, p.Ala1148= (NM_001164507.2, NM_001271208.2, NM_004543.5).
Identifiers: ClinVar variation 331518 (VCV000331518.24), dbSNP rs375569766, ClinGen allele CA1910904.